The following is an entry in ClinVar:

NM_004006.3(DMD):c.3276+6A>G

Gene: DMD (dystrophin; minus strand). Cytogenetic location: Xp21.1.
Variant type: single nucleotide variant.
Coding change: c.3276+6A>G on transcript NM_004006.3 (MANE Select); 6 bases into the intron after coding-DNA position 3276, A replaced by G.
Molecular consequence: intron variant.
Genome position (GRCh38, 1-based): chrX:32,464,580, T>C on the plus strand (A>G on the coding strand, the complement: DMD is on the minus strand). VCF-style: chrX-32464580-T-C. GRCh37 (hg19) VCF-style: chrX-32482697-T-C.
Other names: c.3252+6A>G (NM_000109.4); c.3264+6A>G (NM_004009.3); c.2907+6A>G (NM_004010.3); c.3276+6A>G (NM_004006.2).
Identifiers: ClinVar variation 2839112 (VCV002839112.4), dbSNP rs2524535405, ClinGen allele CA645619759.

ClinVar aggregate classification (germline): Uncertain significance. Review status: criteria provided, single submitter (1 of 4 stars). 2 submissions from 2 submitters: Uncertain significance (1). 1 of the submissions does not count toward it. Last evaluated 2023-02-20.

Conditions:
Duchenne muscular dystrophy (DMD). Also called: MUSCULAR DYSTROPHY, PSEUDOHYPERTROPHIC PROGRESSIVE, DUCHENNE TYPE; Duchenne Muscular Dystrophy (DMD). Identifiers: Orphanet 98896, MedGen C0013264, MONDO:0010679, OMIM 310200.
Becker muscular dystrophy, Cardiomyopathy, Duchenne muscular dystrophy, Dystrophin deficiency.

Submissions (2):

Labcorp Genetics (formerly Invitae), Labcorp
Classification: Uncertain significance for Duchenne muscular dystrophy. Last evaluated: 2023-02-20. Review status: criteria provided, single submitter. Criteria: Invitae Variant Classification Sherloc (09022015). Collection method: clinical testing. Allele origin: germline.
Comment: In summary, the available evidence is currently insufficient to determine the role of this variant in disease. Therefore, it has been classified as a Variant of Uncertain Significance. This variant is not present in population databases (gnomAD no frequency). This variant has not been reported in the literature in individuals affected with DMD-related conditions. Variants that disrupt the consensus splice site are a relatively common cause of aberrant splicing (PMID: 17576681, 9536098). Algorithms developed to predict the effect of sequence changes on RNA splicing suggest that this variant may create or strengthen a splice site. This sequence change falls in intron 24 of the DMD gene. It does not directly change the encoded amino acid sequence of the DMD protein. It affects a nucleotide within the consensus splice site.

Natera, Inc.
Classification: Uncertain significance for Becker muscular dystrophy, Cardiomyopathy, Duchenne muscular dystrophy, Dystrophin deficiency. Last evaluated: 2025-05-08. Review status: no assertion criteria provided. Collection method: clinical testing. Allele origin: germline. Not counted in ClinVar's aggregate classification.

Literature cited by the submitters: PubMed 17576681 (cited by Labcorp Genetics (formerly Invitae), Labcorp); PubMed 9536098 (cited by Labcorp Genetics (formerly Invitae), Labcorp).